The following is an entry in ClinVar:

ClinVar aggregate classification (germline): Pathogenic. Review status: criteria provided, multiple submitters, no conflicts (2 of 4 stars). 2 submissions from 2 submitters: Pathogenic (2). Last evaluated 2024-06-17.

Conditions:
Intellectual disability-facial dysmorphism syndrome due to SETD5 haploinsufficiency (MRD23). Also called: Intellectual developmental disorder, autosomal dominant 23. Identifiers: Orphanet 404440, MedGen C3810406, MONDO:0014336, OMIM 615761.
Neurodevelopmental abnormality. Identifiers: MedGen C4022737, HP:0012759.

Submissions (2):

Clinical Genetics Laboratory, Skane University Hospital Lund
Classification: Pathogenic for Neurodevelopmental abnormality. Last evaluated: 2024-06-17. Review status: criteria provided, single submitter. Criteria: ACMG Guidelines, 2015. Collection method: clinical testing. Allele origin: de novo. Inheritance: Autosomal dominant inheritance. Affected: yes.
Comment: PVS1, PS2, PM2

Institute of Human Genetics, University of Goettingen
Classification: Pathogenic for Intellectual disability-facial dysmorphism syndrome due to SETD5 haploinsufficiency. Last evaluated: 2020-05-18. Review status: criteria provided, single submitter. Criteria: ACMG Guidelines, 2015. Collection method: clinical testing. Allele origin: maternal. Inheritance: Autosomal dominant inheritance. Affected: yes. Observed: 1 heterozygote.
Comment: The variant c.1441-1G>A in SETD5 leads to the alteration of the canonical WT acceptor site, most probably affecting splicing. To our knowledge, the variant is not found in databases (gnomAD / ExAC). The phenotype described in OMIM and present literature matched the phenotype of our affected patient very well. ACMG criteria used for classification: PVS1, PM2.

NM_001080517.3(SETD5):c.1441-1G>A

Gene: SETD5 (SET domain containing 5; plus strand). Cytogenetic location: 3p25.3.
Variant type: single nucleotide variant.
Coding change: c.1441-1G>A on transcript NM_001080517.3 (MANE Select); the canonical splice acceptor site of the intron before coding-DNA position 1441, G replaced by A.
Molecular consequence: splice acceptor variant.
Genome position (GRCh38, 1-based): chr3:9,445,656, G>A. VCF-style: chr3-9445656-G-A. GRCh37 (hg19) VCF-style: chr3-9487340-G-A.
Other names: c.1147-1G>A (NM_001349451.2, NM_001292043.2).
Identifiers: ClinVar variation 917529 (VCV000917529.4), dbSNP rs2041850171, ClinGen allele CA351693937.